The following is an entry in ClinVar:

ClinVar aggregate classification (germline): Likely pathogenic (1 of 4 stars; one submission).

Conditions:
Episodic ataxia type 2 (EA2). Also called: ACETAZOLAMIDE-RESPONSIVE HEREDITARY PAROXYSMAL CEREBELLAR ATAXIA; ATAXIA, EPISODIC, WITH NYSTAGMUS; ATAXIA, FAMILIAL PAROXYSMAL; CEREBELLAR ATAXIA, PAROXYSMAL, ACETAZOLAMIDE-RESPONSIVE; CEREBELLOPATHY, HEREDITARY PAROXYSMAL; EPISODIC ATAXIA, NYSTAGMUS-ASSOCIATED. Identifiers: Orphanet 97, MedGen C1720416, MONDO:0007163, OMIM 108500.
Developmental and epileptic encephalopathy, 42 (DEE42A). Also called: Epileptic encephalopathy, early infantile, 42; DEVELOPMENTAL AND EPILEPTIC ENCEPHALOPATHY 42A; EPILEPTIC ENCEPHALOPATHY, EARLY INFANTILE, 42A. Identifiers: MedGen C4310716, MONDO:0014917, OMIM 617106.

Submission:

Labcorp Genetics (formerly Invitae), Labcorp
Classification: Likely pathogenic for Developmental and epileptic encephalopathy, 42; Episodic ataxia type 2. Last evaluated: 2025-06-04. Review status: criteria provided, single submitter. Criteria: Invitae Variant Classification Sherloc (09022015). Collection method: clinical testing. Allele origin: germline.
Comment: This sequence change affects an acceptor splice site in intron 43 of the CACNA1A gene. It is expected to disrupt RNA splicing. Variants that disrupt the donor or acceptor splice site typically lead to a loss of protein function (PMID: 16199547), and loss-of-function variants in CACNA1A are known to be pathogenic (PMID: 10371528, 19486177, 25735478, 27250579). This variant is not present in population databases (gnomAD no frequency). This variant has not been reported in the literature in individuals affected with CACNA1A-related conditions. Algorithms developed to predict the effect of sequence changes on RNA splicing suggest that this variant may disrupt the consensus splice site. In summary, the currently available evidence indicates that the variant is pathogenic, but additional data are needed to prove that conclusively. Therefore, this variant has been classified as Likely Pathogenic.

Literature cited by the submitters: PubMed 16199547; PubMed 10371528; PubMed 19486177; PubMed 25735478; PubMed 27250579.

NM_001127222.2(CACNA1A):c.6304-1G>A

Gene: CACNA1A (calcium voltage-gated channel subunit alpha1 A; minus strand). Cytogenetic location: 19p13.13.
Variant type: single nucleotide variant.
Coding change: c.6304-1G>A on transcript NM_001127222.2 (MANE Select); the canonical splice acceptor site of the intron before coding-DNA position 6304, G replaced by A.
Molecular consequence: splice acceptor variant.
Genome position (GRCh38, 1-based): chr19:13,210,653, C>T on the plus strand (G>A on the coding strand, the complement: CACNA1A is on the minus strand). VCF-style: chr19-13210653-C-T. GRCh37 (hg19) VCF-style: chr19-13321467-C-T.
Other names: c.6307-1G>A (NM_001127221.2); c.6313-1G>A (NM_001174080.2); c.6322-1G>A (NM_000068.4, NM_023035.3).
Identifiers: ClinVar variation 4785176 (VCV004785176.1).
Genomic context (GRCh38, chr19:13,210,653, plus strand): 5'-GCGCTGGGCAGGCGCGGTACATACACTGAGGTTATTCCCACGTGGCCGGCCCCTTCTCCT[C>T]TGTCACAGCCCCATGGGATGGTGCACACAGAAAAAACAGAAAGAAGAAAATAAATATAAA-3'